The following is an entry in ClinVar:

ClinVar aggregate classification (germline): Likely benign (1 of 4 stars; one submission).

Allele frequency attached by ClinVar (database versions not stated): gnomAD 0.00569; TOPMed 0.00675; 1000 Genomes Project 0.00938; 1000 Genomes Project 30x 0.00968.
gnomAD v4.1: 857 of 152,006 alleles (0.56%); highest among the groups gnomAD compares: African/African-American, 1.9%; 4 homozygotes.

Submission:

GeneDx
Classification: Likely benign. Last evaluated: 2021-05-20. Review status: criteria provided, single submitter. Criteria: GeneDx Variant Classification Process June 2021. Collection method: clinical testing. Allele origin: germline. Affected: yes.
Comment: See Variant Classification Assertion Criteria.

NM_004628.5(XPC):c.2116-195C>T

Gene: XPC (XPC complex subunit, DNA damage recognition and repair factor; minus strand). Cytogenetic location: 3p25.1.
Variant type: single nucleotide variant.
Coding change: c.2116-195C>T on transcript NM_004628.5 (MANE Select); 195 bases into the intron before coding-DNA position 2116, C replaced by T.
Molecular consequence: intron variant.
Genome position (GRCh38, 1-based): chr3:14,149,143, G>A on the plus strand (C>T on the coding strand, the complement: XPC is on the minus strand). VCF-style: chr3-14149143-G-A. GRCh37 (hg19) VCF-style: chr3-14190643-G-A.
Other names: c.2098-195C>T (NM_001354729.2); c.1537-195C>T (NM_001354726.2); c.1870-195C>T (NM_001354730.2); c.2110-195C>T (NM_001354727.2).
Identifiers: ClinVar variation 2446605 (VCV002446605.1), dbSNP rs3731160, ClinGen allele CA69742683.